The following is an entry in ClinVar:

ClinVar aggregate classification (germline): Uncertain significance (1 of 4 stars; one submission).

Conditions:
Developmental and epileptic encephalopathy, 8 (DEE8). Also called: HYPEREKPLEXIA AND EPILEPSY. Identifiers: Orphanet 163985, Orphanet 2076, MedGen C1845102, MONDO:0010375, OMIM 300607.

Submission:

Labcorp Genetics (formerly Invitae), Labcorp
Classification: Uncertain significance for Developmental and epileptic encephalopathy, 8. Last evaluated: 2017-10-28. Review status: criteria provided, single submitter. Criteria: Invitae Variant Classification Sherloc (09022015). Collection method: clinical testing. Allele origin: germline.
Comment: This variant is not present in population databases (ExAC no frequency). This sequence change replaces glutamic acid with glycine at codon 186 of the ARHGEF9 protein (p.Glu186Gly). The glutamic acid residue is highly conserved and there is a moderate physicochemical difference between glutamic acid and glycine. This variant has not been reported in the literature in individuals with ARHGEF9-related disease. In summary, the available evidence is currently insufficient to determine the role of this variant in disease. Therefore, it has been classified as a Variant of Uncertain Significance. Algorithms developed to predict the effect of missense changes on protein structure and function (SIFT, PolyPhen-2, Align-GVGD) all suggest that this variant is likely to be disruptive, but these predictions have not been confirmed by published functional studies and their clinical significance is uncertain.

NM_001353921.2(ARHGEF9):c.578A>G (p.Glu193Gly)

Gene: ARHGEF9 (Cdc42 guanine nucleotide exchange factor 9; minus strand). Cytogenetic location: Xq11.1.
Variant type: single nucleotide variant.
Coding change: c.578A>G on transcript NM_001353921.2 (MANE Select); coding-DNA position 578, A replaced by G.
Protein change: p.Glu193Gly; replaces glutamic acid 193 with glycine.
Molecular consequence: missense variant.
Genome position (GRCh38, 1-based): chrX:63,697,129, T>C on the plus strand (A>G on the coding strand, the complement: ARHGEF9 is on the minus strand). VCF-style: chrX-63697129-T-C. GRCh37 (hg19) VCF-style: chrX-62917009-T-C.
Other names: c.398A>G, p.Glu133Gly (NM_001173479.2); c.251A>G, p.Glu84Gly (NM_001173480.2, NM_001369042.1); c.494A>G, p.Glu165Gly (NM_001330495.2, NM_001353927.2, NM_001369033.1 and 8 more transcripts); c.578A>G, p.Glu193Gly (NM_001353922.2); c.596A>G, p.Glu199Gly (NM_001353923.1); c.377A>G, p.Glu126Gly (NM_001353924.2, NM_001353926.2, NM_001369039.1 and 1 more transcripts); c.557A>G, p.Glu186Gly (NM_001353928.2, NM_001369030.1, NM_001369031.1 and 2 more transcripts); c.143A>G, p.Glu48Gly (NM_001369045.1); short protein forms E186G, E84G, E126G, E133G, E48G, E199G, E165G, E193G.
Identifiers: ClinVar variation 533662 (VCV000533662.9), dbSNP rs1556388997, ClinGen allele CA413406820.